The following is an entry in ClinVar:

ClinVar aggregate classification (germline): Uncertain significance (1 of 4 stars; one submission).

Conditions:
Inborn genetic diseases. Identifiers: MedGen C0950123, MeSH D030342.

Submission:

Ambry Genetics
Classification: Uncertain significance for Inborn genetic diseases. Last evaluated: 2024-04-10. Review status: criteria provided, single submitter. Criteria: Ambry Variant Classification Scheme 2023. Collection method: clinical testing. Allele origin: germline.
Comment: The p.M309K variant (also known as c.926T>A), located in coding exon 8 of the EPAS1 gene, results from a T to A substitution at nucleotide position 926. The methionine at codon 309 is replaced by lysine, an amino acid with similar properties. This amino acid position is conserved. In addition, this alteration is predicted to be deleterious by in silico analysis. Based on the available evidence, the clinical significance of this variant remains unclear.

NM_001430.5(EPAS1):c.926T>A (p.Met309Lys)

Gene: EPAS1 (endothelial PAS domain protein 1; plus strand). Cytogenetic location: 2p21.
Variant type: single nucleotide variant.
Coding change: c.926T>A on transcript NM_001430.5 (MANE Select); coding-DNA position 926, T replaced by A.
Protein change: p.Met309Lys; replaces methionine 309 with lysine.
Molecular consequence: missense variant.
Genome position (GRCh38, 1-based): chr2:46,375,729, T>A. VCF-style: chr2-46375729-T-A. GRCh37 (hg19) VCF-style: chr2-46602868-T-A.
Other names: short protein forms M309K.
Identifiers: ClinVar variation 3275696 (VCV003275696.1).